The following is an entry in ClinVar:

ClinVar aggregate classification (germline): Pathogenic/Likely pathogenic. Review status: criteria provided, multiple submitters, no conflicts (2 of 4 stars). 7 submissions from 6 submitters: Pathogenic (4); Likely pathogenic (1). 2 of the submissions do not count toward it. Last evaluated 2026-09-08.

Conditions:
FGFR3-related chondrodysplasia. Identifiers: Orphanet 93420, MedGen C5681604, MONDO:0019685.
Hypochondroplasia (HCH). Identifiers: Orphanet 429, MedGen C0410529, MONDO:0007793, OMIM 146000. Disease mechanism: gain of function.
Achondroplasia (ACH). Also called: Achondroplastic dwarfism. Identifiers: Orphanet 15, MedGen C0001080, MONDO:0007037, OMIM 100800. Disease mechanism: gain of function.

Submissions (7):

GeneDx
Classification: Pathogenic. Last evaluated: 2026-09-08. Review status: criteria provided, single submitter. Criteria: GeneDx Variant Classification Process June 2021. Collection method: clinical testing. Allele origin: germline.
Comment: Observed in patients with features of FGFR3-related skeletal dysplasia in published literature and referred for genetic testing at GeneDx (PMID: 17895900, 27257098, 16912704); In silico analysis supports that this missense variant has a deleterious effect on protein structure/function; Not observed at significant frequency in large population cohorts (gnomAD); This variant is associated with the following publications: (PMID: 27257098, 19802676, 27028100, 26224133, Ahn[atricle]2016, 32227640, 25728633, 16912704, 17895900, 38702915, 36352425)

Genomenon, Inc
Classification: Likely pathogenic for FGFR3-related chondrodysplasia. Last evaluated: 2026-06-23. Review status: criteria provided, single submitter. Criteria: Genomenon Sequence Variant Interpretation Standards - Updated. Collection method: curation. Allele origin: germline. Affected: yes.
Comment: FGFR3 p.Ser279Cys (c.835A>T) is a missense variant that changes the amino acid at codon 279 from Serine to Cysteine. This variant has been observed in at least one proband with an FGFR3-related disorder (PMID:27257098;16912704). A de novo occurrence of this variant has been observed in at least one affected individual (PMID:16912704). It is absent or not present at a significant frequency in gnomAD. In silico models predict that this variant is possibly or probably damaging. In conclusion, we classify FGFR3 p.Ser279Cys (c.835A>T) as a likely pathogenic variant.

Labcorp Genetics (formerly Invitae), Labcorp
Classification: Pathogenic. Last evaluated: 2024-01-17. Review status: criteria provided, single submitter. Criteria: Invitae Variant Classification Sherloc (09022015). Collection method: clinical testing. Allele origin: germline.
Comment: This sequence change replaces serine, which is neutral and polar, with cysteine, which is neutral and slightly polar, at codon 279 of the FGFR3 protein (p.Ser279Cys). This variant is not present in population databases (gnomAD no frequency). This missense change has been observed in individual(s) with achondroplasia (PMID: 16912704). In at least one individual the variant was observed to be de novo. ClinVar contains an entry for this variant (Variation ID: 16356). Advanced modeling performed at Invitae incorporating data from internal and/or published experimental studies (Invitae) indicates that this missense variant is expected to disrupt FGFR3 function with a positive predictive value of 95%. For these reasons, this variant has been classified as Pathogenic.

Baylor Genetics
Classification: Pathogenic for Achondroplasia. Last evaluated: 2020-06-03. Review status: criteria provided, single submitter. Criteria: ACMG Guidelines, 2015. Collection method: clinical testing. Allele origin: unknown. Affected: yes.
Comment: This variant was determined to be pathogenic according to ACMG Guidelines, 2015 [PMID:25741868].

Eurofins Ntd Llc (ga)
Classification: Pathogenic. Last evaluated: 2017-12-28. Review status: criteria provided, single submitter. Criteria: EGL Classification Definitions 2015. Collection method: clinical testing. Allele origin: germline. Observed: 1 variant allele, 1 heterozygote.

OMIM
Classification: Pathogenic for ACHONDROPLASIA. Last evaluated: 2008-03-01. Review status: no assertion criteria provided. Collection method: literature only. Allele origin: germline. Not counted in ClinVar's aggregate classification.

OMIM
Classification: Pathogenic for HYPOCHONDROPLASIA. Last evaluated: 2008-03-01. Review status: no assertion criteria provided. Collection method: literature only. Allele origin: germline. Not counted in ClinVar's aggregate classification.

Literature cited by the submitters: PubMed 27257098 (cited by Genomenon, Inc); PubMed 16912704 (cited by 3 submitters); PubMed 36352425 (cited by Genomenon, Inc); PubMed 17895900 (cited by Genomenon, Inc and OMIM); PubMed 25728633 (cited by Genomenon, Inc); PubMed 38281003 (cited by Genomenon, Inc); PubMed 33511985 (cited by Genomenon, Inc); PubMed 33368972 (cited by Genomenon, Inc); PubMed 30681580 (cited by Genomenon, Inc); PubMed 27987249 (cited by Genomenon, Inc); PubMed 27028100 (cited by Genomenon, Inc); PubMed 26754866 (cited by Genomenon, Inc); PubMed 26126848 (cited by Genomenon, Inc); PubMed 19802676 (cited by Genomenon, Inc).

NM_000142.5(FGFR3):c.835A>T (p.Ser279Cys)

Gene: FGFR3 (fibroblast growth factor receptor 3; plus strand). Cytogenetic location: 4p16.3.
Variant type: single nucleotide variant.
Coding change: c.835A>T on transcript NM_000142.5 (MANE Select); coding-DNA position 835, A replaced by T.
Protein change: p.Ser279Cys; replaces serine 279 with cysteine.
Molecular consequence: missense variant. On other transcripts: non-coding transcript variant (1).
Genome position (GRCh38, 1-based): chr4:1,801,930, A>T. VCF-style: chr4-1801930-A-T. GRCh37 (hg19) VCF-style: chr4-1803657-A-T.
Other names: c.835A>T, p.Ser279Cys (NM_001163213.2, NM_001354809.2, NM_001354810.2 and 1 more transcripts); short protein forms S279C.
Identifiers: ClinVar variation 16356 (VCV000016356.19), dbSNP rs121913114, ClinGen allele CA280224.
Genomic context (GRCh38, chr4:1,801,930, plus strand): 5'-CTGCCGGCCAACCAGACGGCGGTGCTGGGCAGCGACGTGGAGTTCCACTGCAAGGTGTAC[A>T]GTGACGCACAGCCCCACATCCAGTGGCTCAAGCACGTGGAGGTGAATGGCAGCAAGGTGG-3'
Protein context (NP_000133.1, residues 269-289): SDVEFHCKVY[Ser279Cys]DAQPHIQWLK